The following is an entry in ClinVar:

ClinVar aggregate classification (germline): Conflicting classifications of pathogenicity. Review status: criteria provided, conflicting classifications (1 of 4 stars). 4 submissions from 4 submitters: Uncertain significance (2); Likely benign (1). 1 of the submissions does not count toward it. Last evaluated 2025-11-13.

Conditions:
SNRNP200-related disorder. Also called: SNRNP200-related condition.

Allele frequency attached by ClinVar (database versions not stated): gnomAD exomes 0.00004 and 0.00006; TOPMed 0.00005; ExAC 0.00004; gnomAD 0.00006.
gnomAD v4.1: 97 of 1,613,998 alleles (0.006%); highest among the groups gnomAD compares: Non-Finnish European, 0.0078%; no homozygotes.

Submissions (4):

Labcorp Genetics (formerly Invitae), Labcorp
Classification: Likely benign. Last evaluated: 2025-11-13. Review status: criteria provided, single submitter. Criteria: Invitae Variant Classification Sherloc (09022015). Collection method: clinical testing. Allele origin: germline.

Blueprint Genetics
Classification: Uncertain significance. Last evaluated: 2024-09-03. Review status: criteria provided, single submitter. Criteria: ACMG Guidelines, 2015. Collection method: clinical testing. Allele origin: germline.

Breakthrough Genomics
Classification: Uncertain significance. Review status: criteria provided, single submitter. Criteria: ACMG Guidelines, 2015. Collection method: not provided. Allele origin: germline. Inheritance: Unknown mechanism. Affected: yes.

PreventionGenetics, part of Exact Sciences
Classification: Uncertain significance for SNRNP200-related condition. Last evaluated: 2024-09-05. Review status: no assertion criteria provided. Collection method: clinical testing. Allele origin: germline. Not counted in ClinVar's aggregate classification.
Comment: The SNRNP200 c.3355G>A variant is predicted to result in the amino acid substitution p.Asp1119Asn. To our knowledge, this variant has not been reported in the literature. This variant is reported in 0.0070% of alleles in individuals of European (Non-Finnish) descent in gnomAD. At this time, the clinical significance of this variant is uncertain due to the absence of conclusive functional and genetic evidence.

NM_014014.5(SNRNP200):c.3355G>A (p.Asp1119Asn)

Gene: SNRNP200 (small nuclear ribonucleoprotein U5 subunit 200; minus strand). Cytogenetic location: 2q11.2.
Variant type: single nucleotide variant.
Coding change: c.3355G>A on transcript NM_014014.5 (MANE Select); coding-DNA position 3355, G replaced by A.
Protein change: p.Asp1119Asn; replaces aspartic acid 1119 with asparagine.
Molecular consequence: missense variant.
Genome position (GRCh38, 1-based): chr2:96,287,873, C>T on the plus strand (G>A on the coding strand, the complement: SNRNP200 is on the minus strand). VCF-style: chr2-96287873-C-T. GRCh37 (hg19) VCF-style: chr2-96953611-C-T.
Other names: short protein forms D1119N.
Identifiers: ClinVar variation 969173 (VCV000969173.12), dbSNP rs756195450, ClinGen allele CA1778482.